The following is an entry in ClinVar:

NM_199420.4(POLQ):c.5057A>G (p.Glu1686Gly)

Gene: POLQ (DNA polymerase theta; minus strand). Cytogenetic location: 3q13.33.
Variant type: single nucleotide variant.
Coding change: c.5057A>G on transcript NM_199420.4 (MANE Select); coding-DNA position 5057, A replaced by G.
Protein change: p.Glu1686Gly; replaces glutamic acid 1686 with glycine.
Molecular consequence: missense variant.
Genome position (GRCh38, 1-based): chr3:121,487,874, T>C on the plus strand (A>G on the coding strand, the complement: POLQ is on the minus strand). VCF-style: chr3-121487874-T-C. GRCh37 (hg19) VCF-style: chr3-121206721-T-C.
Other names: short protein forms E1686G.
Identifiers: ClinVar variation 1745067 (VCV001745067.2), dbSNP rs1560096890, ClinGen allele CA354092166.

ClinVar aggregate classification (germline): Uncertain significance (1 of 4 stars; one submission).

Allele frequency attached by ClinVar (database versions not stated): gnomAD exomes below 0.00001; gnomAD 0.00001.
gnomAD v4.1: 2 of 1,610,460 alleles (0.00012%); highest among the groups gnomAD compares: African/African-American, 0.0013%; no homozygotes.

Submission:

Ambry Genetics
Classification: Uncertain significance. Last evaluated: 2022-02-13. Review status: criteria provided, single submitter. Criteria: Ambry Variant Classification Scheme 2023. Collection method: clinical testing. Allele origin: germline.
Comment: The p.E1686G variant (also known as c.5057A>G), located in coding exon 16 of the POLQ gene, results from an A to G substitution at nucleotide position 5057. The glutamic acid at codon 1686 is replaced by glycine, an amino acid with similar properties. This amino acid position is conserved. In addition, this alteration is predicted to be tolerated by in silico analysis. Since supporting evidence is limited at this time, the clinical significance of this alteration remains unclear.